The following is an entry in ClinVar:

ClinVar aggregate classification (germline): Pathogenic/Likely pathogenic. Review status: criteria provided, multiple submitters, no conflicts (2 of 4 stars). 4 submissions from 3 submitters: Pathogenic (3); Likely pathogenic (1). Last evaluated 2026-01-26.

Conditions:
Alport syndrome 3b, autosomal recessive. Identifiers: MedGen C5882699, MONDO:0957811, OMIM 620536.
Autosomal dominant Alport syndrome (ATS3A). Also called: ALPORT SYNDROME 3A, AUTOSOMAL DOMINANT; Alport syndrome dominant type; Renal failure and sensorineural hearing loss. Identifiers: Orphanet 63, Orphanet 88918, MedGen C5882663, MONDO:0007086, OMIM 104200.
Autosomal recessive Alport syndrome (ATS2). Also called: Alport syndrome type 2; COL4A3-Related Nephropathy; ALPORT SYNDROME 2, AUTOSOMAL RECESSIVE; COL4A4 Alport Syndrome and Thin Basement Membrane Nephropathy. Identifiers: Orphanet 63, Orphanet 88919, MedGen C4746745, MONDO:0008762, OMIM 203780.
Benign familial hematuria. Also called: thin basement membrane disease. Identifiers: MedGen C0241908, MONDO:0957317.

Submissions (4):

Labcorp Genetics (formerly Invitae), Labcorp
Classification: Pathogenic. Last evaluated: 2026-01-26. Review status: criteria provided, single submitter. Criteria: Invitae Variant Classification Sherloc (09022015). Collection method: clinical testing. Allele origin: germline.
Comment: This sequence change creates a premature translational stop signal (p.Gly421Valfs*37) in the COL4A3 gene. It is expected to result in an absent or disrupted protein product. Loss-of-function variants in COL4A3 are known to be pathogenic (PMID: 8956999, 24854265, 26809805, 27281700). This variant is not present in population databases (gnomAD no frequency). This variant has not been reported in the literature in individuals affected with COL4A3-related conditions. ClinVar contains an entry for this variant (Variation ID: 1422757). For these reasons, this variant has been classified as Pathogenic.

Baylor Genetics
Classification: Pathogenic for Alport syndrome 3b, autosomal recessive. Last evaluated: 2024-02-05. Review status: criteria provided, single submitter. Criteria: ACMG Guidelines, 2015. Collection method: clinical testing. Allele origin: unknown.

Baylor Genetics
Classification: Pathogenic for Autosomal dominant Alport syndrome. Last evaluated: 2024-02-05. Review status: criteria provided, single submitter. Criteria: ACMG Guidelines, 2015. Collection method: clinical testing. Allele origin: unknown.

Fulgent Genetics
Classification: Likely pathogenic for Autosomal dominant Alport syndrome; Hematuria, benign familial, 1; Autosomal recessive Alport syndrome. Last evaluated: 2022-04-23. Review status: criteria provided, single submitter. Criteria: ACMG Guidelines, 2015. Collection method: clinical testing. Allele origin: unknown.

Literature cited by the submitters: PubMed 8956999 (cited by Labcorp Genetics (formerly Invitae), Labcorp); PubMed 24854265 (cited by Labcorp Genetics (formerly Invitae), Labcorp); PubMed 26809805 (cited by Labcorp Genetics (formerly Invitae), Labcorp); PubMed 27281700 (cited by Labcorp Genetics (formerly Invitae), Labcorp).

NM_000091.5(COL4A3):c.1262del (p.Gly421fs)

Genes: COL4A3 (collagen type IV alpha 3 chain; plus strand), MFF-DT (MFF divergent transcript; minus strand). Cytogenetic location: 2q36.3.
Variant type: Deletion.
Coding change: c.1262del on transcript NM_000091.5 (MANE Select); coding-DNA position 1262, one base deleted (G; older notation c.1262delG).
Protein change: p.Gly421fs; shifts the reading frame from glycine 421.
Molecular consequence: frameshift variant.
Genome position (GRCh38, 1-based): chr2:227,263,891, G deleted; the last of 2 consecutive G bases (chr2:227,263,890-227,263,891); deleting either gives the same sequence. VCF-style (leftmost placement, unchanged base first): chr2-227263889-AG-A. GRCh37 (hg19) VCF-style: chr2-228128605-AG-A.
Other names: short protein forms G421fs.
Identifiers: ClinVar variation 1422757 (VCV001422757.8), dbSNP rs2125972772, ClinGen allele CA2573135454.